The following is an entry in ClinVar:

ClinVar aggregate classification (germline): Likely pathogenic. Review status: criteria provided, multiple submitters, no conflicts (2 of 4 stars). 2 submissions from 2 submitters: Likely pathogenic (2).

Conditions:
Lymphatic malformation 7 (LMPHM7). Also called: Hydrops fetalis, nonimmune, and/or atrial septal defect, susceptibility to. Identifiers: MedGen C4310629, MONDO:0015009, OMIM 617300.
Capillary malformation-arteriovenous malformation 2 (CMAVM2). Identifiers: Orphanet 693912, MedGen C4748670, MONDO:0020785, OMIM 618196.
EPHB4-related disorder. Also called: EPHB4-related condition; EPHB4-related disorders.

gnomAD v4.1: 3 of 1,613,376 alleles (0.00019%); highest among the groups gnomAD compares: Non-Finnish European, 0.00025%; no homozygotes.

Submissions (2):

Juno Genomics, Hangzhou Juno Genomics, Inc
Classification: Likely pathogenic for Capillary malformation-arteriovenous malformation 2; Lymphatic malformation 7. Review status: criteria provided, single submitter. Criteria: ACMG Guidelines, 2015. Collection method: clinical testing. Allele origin: germline.
Comment: Absent from controls (or at extremely low frequency if recessive) in Genome Aggregation Database.;Null variant in a gene where loss of function (LOF) is a known mechanism of disease.

Rady Children's Institute for Genomic Medicine, Rady Children's Hospital San Diego
Classification: Likely pathogenic for EPHB4-related disorders. Review status: criteria provided, single submitter. Criteria: ACMG Guidelines, 2015. Collection method: clinical testing. Allele origin: germline. Affected: yes.
Comment: This nonsense variant found in exon 16 of 17 is predicted to result in loss of normal protein function through either protein truncation or nonsense-mediated mRNA decay. This variant has not been previously reported or functionally characterized in the literature to our knowledge. Loss-of-function variation in EPHB4 is an established mechanism of disease (PMID: 28687708). The c.2772C>G (p.Tyr924Ter) variant is absent from the gnomAD population database and thus presumed to be rare. Based on the available evidence, the c.2772C>G (p.Tyr924Ter) variant is classified as Likely Pathogenic.

NM_004444.5(EPHB4):c.2772C>G (p.Tyr924Ter)

Gene: EPHB4 (EPH receptor B4; minus strand). Cytogenetic location: 7q22.1.
Variant type: single nucleotide variant.
Coding change: c.2772C>G on transcript NM_004444.5 (MANE Select); coding-DNA position 2772, C replaced by G.
Protein change: p.Tyr924Ter; replaces tyrosine 924 with a stop codon.
Molecular consequence: nonsense.
Genome position (GRCh38, 1-based): chr7:100,805,228, G>C on the plus strand (C>G on the coding strand, the complement: EPHB4 is on the minus strand). VCF-style: chr7-100805228-G-C. GRCh37 (hg19) VCF-style: chr7-100402850-G-C.
Other names: short protein forms Y924*.
Identifiers: ClinVar variation 2584509 (VCV002584509.3), dbSNP rs764404042, ClinGen allele CA368566546.